The following is an entry in ClinVar:

ClinVar aggregate classification (germline): Uncertain significance (1 of 4 stars; one submission).

Submission:

GeneDx
Classification: Uncertain significance. Last evaluated: 2025-06-10. Review status: criteria provided, single submitter. Criteria: GeneDx Variant Classification Process June 2021. Collection method: clinical testing. Allele origin: germline. Affected: yes.
Comment: Not observed at significant frequency in large population cohorts (gnomAD); In silico analysis supports that this missense variant has a deleterious effect on protein structure/function; Has not been previously published as pathogenic or benign to our knowledge

NM_182641.4(BPTF):c.6521A>G (p.Gln2174Arg)

Gene: BPTF (bromodomain PHD finger transcription factor; plus strand). Cytogenetic location: 17q24.2.
Variant type: single nucleotide variant.
Coding change: c.6521A>G on transcript NM_182641.4 (MANE Select); coding-DNA position 6521, A replaced by G.
Protein change: p.Gln2174Arg; replaces glutamine 2174 with arginine.
Molecular consequence: missense variant.
Genome position (GRCh38, 1-based): chr17:67,944,193, A>G. VCF-style: chr17-67944193-A-G. GRCh37 (hg19) VCF-style: chr17-65940309-A-G.
Other names: c.6710A>G, p.Gln2237Arg (NM_001439139.1, NM_001439143.1, NM_001439144.1); c.6899A>G, p.Gln2300Arg (NM_001439140.1, NM_001439142.1, NM_004459.7); c.6872A>G, p.Gln2291Arg (NM_001439141.1); short protein forms Q2174R, Q2237R, Q2291R, Q2300R.
Identifiers: ClinVar variation 4537546 (VCV004537546.1).